The following is an entry in ClinVar:

ClinVar aggregate classification (germline): Uncertain significance (1 of 4 stars; one submission).

Submission:

Women's Health and Genetics/Laboratory Corporation of America, LabCorp
Classification: Uncertain significance. Last evaluated: 2024-12-30. Review status: criteria provided, single submitter. Criteria: LabCorp Variant Classification Summary - May 2015. Collection method: clinical testing. Allele origin: germline.
Comment: Variant summary: FKBP14 c.249G>T (p.Glu83Asp) results in a conservative amino acid change located in the FKBP-type peptidyl-prolyl cis-trans isomerase (IPR002048) of the encoded protein sequence. Three of five in-silico tools predict a damaging effect of the variant on protein function. The variant was absent in 251382 control chromosomes. The available data on variant occurrences in the general population are insufficient to allow any conclusion about variant significance. To our knowledge, no occurrence of c.249G>T in individuals affected with Ehlers-Danlos syndrome, kyphoscoliotic type, 2 and no experimental evidence demonstrating its impact on protein function have been reported. No submitters have cited clinical-significance assessments for this variant to ClinVar. Based on the evidence outlined above, the variant was classified as uncertain significance.

NM_017946.4(FKBP14):c.249G>T (p.Glu83Asp)

Genes: FKBP14 (FKBP prolyl isomerase 14; minus strand), FKBP14-AS1 (FKBP14 antisense RNA 1; plus strand). Cytogenetic location: 7p14.3.
Variant type: single nucleotide variant.
Coding change: c.249G>T on transcript NM_017946.4 (MANE Select); coding-DNA position 249, G replaced by T.
Protein change: p.Glu83Asp; replaces glutamic acid 83 with aspartic acid.
Molecular consequence: missense variant. On other transcripts: non-coding transcript variant (1).
Genome position (GRCh38, 1-based): chr7:30,022,765, C>A on the plus strand (G>T on the coding strand, the complement: FKBP14 is on the minus strand). VCF-style: chr7-30022765-C-A. GRCh37 (hg19) VCF-style: chr7-30062381-C-A.
Other names: short protein forms E83D.
Identifiers: ClinVar variation 3768049 (VCV003768049.1).